The following is an entry in ClinVar:

NM_014363.6(SACS):c.1485T>G (p.Phe495Leu)

Gene: SACS (sacsin molecular chaperone; minus strand). Cytogenetic location: 13q12.12.
Variant type: single nucleotide variant.
Coding change: c.1485T>G on transcript NM_014363.6 (MANE Select); coding-DNA position 1485, T replaced by G.
Protein change: p.Phe495Leu; replaces phenylalanine 495 with leucine.
Molecular consequence: missense variant.
Genome position (GRCh38, 1-based): chr13:23,355,127, A>C on the plus strand (T>G on the coding strand, the complement: SACS is on the minus strand). VCF-style: chr13-23355127-A-C. GRCh37 (hg19) VCF-style: chr13-23929266-A-C.
Other names: c.1044T>G, p.Phe348Leu (NM_001278055.2); short protein forms F348L, F495L.
Identifiers: ClinVar variation 2684324 (VCV002684324.1), dbSNP rs779933721, ClinGen allele CA387548187.

ClinVar aggregate classification (germline): Uncertain significance (1 of 4 stars; one submission).

gnomAD v4.1: 1 of 1,614,212 alleles (0.000062%); highest among the groups gnomAD compares: Non-Finnish European, 0.000085%; no homozygotes.

Submission:

Athena Diagnostics
Classification: Uncertain significance. Last evaluated: 2023-06-28. Review status: criteria provided, single submitter. Criteria: Athena Diagnostics Criteria. Collection method: clinical testing. Allele origin: unknown.
Comment: Available data are insufficient to determine the clinical significance of the variant at this time. This variant has not been reported in large, multi-ethnic general populations. Computational tools predict that this variant is not damaging.